The following is an entry in ClinVar:

ClinVar aggregate classification (germline): Likely pathogenic (1 of 4 stars; one submission).

Allele frequency attached by ClinVar (database versions not stated): gnomAD 0.00001; TOPMed 0.00002.
gnomAD v4.1: 32 of 1,597,722 alleles (0.002%); highest among the groups gnomAD compares: Non-Finnish European, 0.0024%; no homozygotes.

Submission:

Labcorp Genetics (formerly Invitae), Labcorp
Classification: Likely pathogenic. Last evaluated: 2025-04-16. Review status: criteria provided, single submitter. Criteria: Invitae Variant Classification Sherloc (09022015). Collection method: clinical testing. Allele origin: germline.
Comment: This sequence change replaces tyrosine, which is neutral and polar, with cysteine, which is neutral and slightly polar, at codon 105 of the PROM1 protein (p.Tyr105Cys). This variant is present in population databases (rs570279948, gnomAD 0.006%). This missense change has been observed in individual(s) with autosomal recessive PROM1-related conditions (PMID: 31129250; internal data). ClinVar contains an entry for this variant (Variation ID: 1400899). Invitae Evidence Modeling of protein sequence and biophysical properties (such as structural, functional, and spatial information, amino acid conservation, physicochemical variation, residue mobility, and thermodynamic stability) indicates that this missense variant is expected to disrupt PROM1 protein function with a positive predictive value of 80%. In summary, the currently available evidence indicates that the variant is pathogenic, but additional data are needed to prove that conclusively. Therefore, this variant has been classified as Likely Pathogenic.

Literature cited by the submitters: PubMed 31129250.

NM_006017.3(PROM1):c.314A>G (p.Tyr105Cys)

Gene: PROM1 (prominin 1; minus strand). Cytogenetic location: 4p15.32.
Variant type: single nucleotide variant.
Coding change: c.314A>G on transcript NM_006017.3 (MANE Select); coding-DNA position 314, A replaced by G.
Protein change: p.Tyr105Cys; replaces tyrosine 105 with cysteine.
Molecular consequence: missense variant.
Genome position (GRCh38, 1-based): chr4:16,033,499, T>C on the plus strand (A>G on the coding strand, the complement: PROM1 is on the minus strand). VCF-style: chr4-16033499-T-C. GRCh37 (hg19) VCF-style: chr4-16035122-T-C.
Other names: c.287A>G, p.Tyr96Cys (NM_001145847.2, NM_001145848.2, NM_001145851.2 and 4 more transcripts); c.314A>G, p.Tyr105Cys (NM_001145849.2, NM_001145850.2); short protein forms Y96C, Y105C.
Identifiers: ClinVar variation 1400899 (VCV001400899.8), dbSNP rs570279948, ClinGen allele CA2867102.